The following is an entry in ClinVar:

NM_001371623.1(TCOF1):c.3698_3702del (p.Ser1233fs)

Gene: TCOF1 (treacle ribosome biogenesis factor 1; plus strand). Cytogenetic location: 5q32.
Variant type: Deletion.
Coding change: c.3698_3702del on transcript NM_001371623.1 (MANE Select); coding-DNA positions 3698 to 3702, 5 bases deleted (CCTCT; older notation c.3698_3702delCCTCT).
Protein change: p.Ser1233fs; shifts the reading frame from serine 1233.
Molecular consequence: frameshift variant.
Genome position (GRCh38, 1-based): chr5:150,393,466-150,393,470, CCTCT deleted; deleting any 5 consecutive bases within chr5:150,393,465-150,393,470 gives the same sequence; the c. name uses the placement nearest the transcript's 3' end. VCF-style (leftmost placement, unchanged base first): chr5-150393464-TTCCTC-T. GRCh37 (hg19) VCF-style: chr5-149773027-TTCCTC-T.
Other names: c.3464_3468del, p.Ser1155fs (NM_000356.4); c.3695_3699del, p.Ser1232fs (NM_001135243.2); c.3584_3588del, p.Ser1195fs (NM_001135244.2); c.3467_3471del, p.Ser1156fs (NM_001135245.2); c.3581_3585del, p.Ser1194fs (NM_001195141.2); short protein forms S1155fs, S1156fs, S1194fs, S1195fs, S1232fs, S1233fs.
Identifiers: ClinVar variation 1075984 (VCV001075984.2), dbSNP rs2151060146, ClinGen allele CA2499217737.
Genomic context (GRCh38, chr5:150,393,464, plus strand): 5'-AACCCCAGCCAATTCCCAGGCCTCAAAAGCCACTCCCAAGCTAGACTCCAGCCCCTCAGT[TTCCTC>T]TACTCTGGCCGCCAAAGATGACCCAGATGGCAAGCAGGAGGCAAAGCCCCAACAGGCAGC-3'

ClinVar aggregate classification (germline): Pathogenic (1 of 4 stars; one submission).

Conditions:
Treacher Collins syndrome 1 (TCS1). Also called: TCOF1-Related Treacher Collins Syndrome. Identifiers: Orphanet 861, MedGen CN315775, MONDO:0007944, OMIM 154500.

Submission:

Labcorp Genetics (formerly Invitae), Labcorp
Classification: Pathogenic for Treacher Collins syndrome 1. Last evaluated: 2020-06-03. Review status: criteria provided, single submitter. Criteria: Invitae Variant Classification Sherloc (09022015). Collection method: clinical testing. Allele origin: germline.
Comment: This sequence change creates a premature translational stop signal (p.Ser1232Tyrfs*7) in the TCOF1 gene. It is expected to result in an absent or disrupted protein product. This variant is not present in population databases (ExAC no frequency). This variant has not been reported in the literature in individuals with TCOF1-related conditions. Loss-of-function variants in TCOF1 are known to be pathogenic (PMID: 8894686, 22317976). For these reasons, this variant has been classified as Pathogenic.

Literature cited by the submitters: PubMed 8894686; PubMed 22317976.